The following is an entry in ClinVar:

ClinVar aggregate classification (germline): Benign/Likely benign. Review status: criteria provided, multiple submitters, no conflicts (2 of 4 stars). 8 submissions from 8 submitters: Benign (3); Likely benign (5). Last evaluated 2026-03-01.

Conditions:
Bardet-Biedl syndrome 15 (BBS15). Identifiers: Orphanet 110, MedGen C3150127, MONDO:0014443, OMIM 615992.
Bardet-Biedl syndrome (BBS). Identifiers: Orphanet 110, MedGen C0752166, MONDO:0015229.

Allele frequency attached by ClinVar (database versions not stated): 1000 Genomes Project 30x 0.00203; 1000 Genomes Project 0.00220; TOPMed 0.00499; gnomAD 0.00557 and 0.00572; ESP Exome Variant Server 0.00720.
gnomAD v4.1: 12,230 of 1,614,098 alleles (0.76%); highest among the groups gnomAD compares: Non-Finnish European, 0.96%; 61 homozygotes.

Submissions (8):

CeGaT Center for Human Genetics Tuebingen
Classification: Likely benign. Last evaluated: 2026-03-01. Review status: criteria provided, single submitter. Criteria: CeGaT Center For Human Genetics Tuebingen Variant Classification Criteria Version 2. Collection method: clinical testing. Allele origin: germline. Affected: yes. Observed: 13 variant alleles.
Comment: WDPCP: BP4, BS2

Labcorp Genetics (formerly Invitae), Labcorp
Classification: Benign for Bardet-Biedl syndrome. Last evaluated: 2026-01-26. Review status: criteria provided, single submitter. Criteria: Invitae Variant Classification Sherloc (09022015). Collection method: clinical testing. Allele origin: germline.

Blueprint Genetics
Classification: Likely benign. Last evaluated: 2024-11-23. Review status: criteria provided, single submitter. Criteria: ACMG Guidelines, 2015. Collection method: clinical testing. Allele origin: germline.

Illumina Laboratory Services, Illumina
Classification: Likely benign for Bardet-Biedl syndrome 15. Last evaluated: 2018-01-13. Review status: criteria provided, single submitter. Criteria: ICSL Variant Classification Criteria 13 December 2019. Collection method: clinical testing. Allele origin: germline.
Comment: This variant was observed in the ICSL laboratory as part of a predisposition screen in an ostensibly healthy population. It had not been previously curated by ICSL or reported in the Human Gene Mutation Database (HGMD: prior to June 1st, 2018), and was therefore a candidate for classification through an automated scoring system. Utilizing variant allele frequency, disease prevalence and penetrance estimates, and inheritance mode, an automated score was calculated to assess if this variant is too frequent to cause the disease. Based on the score and internal cut-off values, a variant classified as likely benign is not then subjected to further curation. The score for this variant resulted in a classification of likely benign for this disease.

Center for Pediatric Genomic Medicine, Children's Mercy Hospital and Clinics
Classification: Likely benign. Last evaluated: 2017-06-02. Review status: criteria provided, single submitter. Criteria: ACMG Guidelines, 2015. Collection method: clinical testing. Allele origin: germline.

Eurofins Ntd Llc (ga)
Classification: Benign. Last evaluated: 2015-02-12. Review status: criteria provided, single submitter. Criteria: EGL Classification Definitions 2015. Collection method: clinical testing. Allele origin: germline. Observed: 1 variant allele, 1 heterozygote.

Breakthrough Genomics
Classification: Likely benign. Review status: criteria provided, single submitter. Criteria: ACMG Guidelines, 2015. Collection method: not provided. Allele origin: germline. Inheritance: Autosomal recessive inheritance. Affected: yes.

PreventionGenetics, part of Exact Sciences
Classification: Benign. Review status: criteria provided, single submitter. Criteria: ACMG Guidelines, 2015. Collection method: clinical testing. Allele origin: germline.

NM_015910.7(WDPCP):c.1333G>C (p.Ala445Pro)

Gene: WDPCP (WD repeat containing planar cell polarity effector; minus strand). Cytogenetic location: 2p15.
Variant type: single nucleotide variant.
Coding change: c.1333G>C on transcript NM_015910.7 (MANE Select); coding-DNA position 1333, G replaced by C.
Protein change: p.Ala445Pro; replaces alanine 445 with proline.
Molecular consequence: missense variant. On other transcripts: non-coding transcript variant (3).
Genome position (GRCh38, 1-based): chr2:63,404,150, C>G on the plus strand (G>C on the coding strand, the complement: WDPCP is on the minus strand). VCF-style: chr2-63404150-C-G. GRCh37 (hg19) VCF-style: chr2-63631285-C-G.
Other names: c.856G>C, p.Ala286Pro (NM_001042692.3); c.1261G>C, p.Ala421Pro (NM_001354044.2); c.1333G>C, p.Ala445Pro (NM_001354045.2); short protein forms A445P, A421P, A286P.
Identifiers: ClinVar variation 193723 (VCV000193723.53), dbSNP rs61734466, ClinGen allele CA200749.